The following is an entry in ClinVar:

ClinVar aggregate classification (germline): Uncertain significance (1 of 4 stars; one submission).

Conditions:
Chuvash polycythemia. Also called: POLYCYTHEMIA, VHL-DEPENDENT. Identifiers: Orphanet 238557, MedGen C1837915, MONDO:0009892, OMIM 263400.
Von Hippel-Lindau syndrome (VHLS). Also called: von Hippel–Lindau syndrome; VHL syndrome; Von Hippel-Lindau. Identifiers: Orphanet 892, MedGen C0019562, MONDO:0008667, OMIM 193300. Disease mechanism: loss of function.

Submission:

Labcorp Genetics (formerly Invitae), Labcorp
Classification: Uncertain significance for Von Hippel-Lindau syndrome; Chuvash polycythemia. Last evaluated: 2025-09-01. Review status: criteria provided, single submitter. Criteria: Invitae Variant Classification Sherloc (09022015). Collection method: clinical testing. Allele origin: germline.
Comment: This sequence change falls in intron 1 of the VHL gene. It is not expected to change the encoded amino acid sequence of the VHL protein. However, this sequence change falls within a cryptic exon in the VHL gene, known as exon E1’, which is naturally expressed at low levels in several human tissues (PMID: 29891534). This variant is not present in population databases (gnomAD no frequency). This variant has not been reported in the literature in individuals affected with VHL-related conditions. ClinVar contains an entry for this variant (Variation ID: 3763461). Algorithms developed to predict the effect of sequence changes on RNA splicing suggest that this variant is not likely to affect RNA splicing. In summary, the available evidence is currently insufficient to determine the role of this variant in disease. Therefore, it has been classified as a Variant of Uncertain Significance.

Literature cited by the submitters: PubMed 29891534.

NM_000551.4(VHL):c.340+669C>G

Genes: VHL (von Hippel-Lindau tumor suppressor; plus strand), LOC107303340 (3p25 von Hippel-Lindau tumor suppressor, E3 ubiquitin protein ligase Alu-mediated recombination region; plus strand). Cytogenetic location: 3p25.3.
Variant type: single nucleotide variant.
Coding change: c.340+669C>G on transcript NM_000551.4 (MANE Select); 669 bases into the intron after coding-DNA position 340, C replaced by G.
Molecular consequence: intron variant. On other transcripts: missense variant (1), non-coding transcript variant (1).
Genome position (GRCh38, 1-based): chr3:10,142,856, C>G. VCF-style: chr3-10142856-C-G. GRCh37 (hg19) VCF-style: chr3-10184540-C-G.
Other names: c.434C>G, p.Thr145Arg (NM_001354723.2); c.340+669C>G (NM_198156.3); short protein forms T145R.
Identifiers: ClinVar variation 3763461 (VCV003763461.2).